The following is an entry in ClinVar:

ClinVar aggregate classification (germline): Uncertain significance (1 of 4 stars; one submission).

Conditions:
Perlman syndrome (PRLMNS). Identifiers: Orphanet 2849, MedGen C0796113, MONDO:0009965, OMIM 267000.

Allele frequency attached by ClinVar (database versions not stated): gnomAD exomes below 0.00001; ExAC 0.00001.
gnomAD v4.1: 6 of 1,613,928 alleles (0.00037%); highest among the groups gnomAD compares: Non-Finnish European, 0.00051%; no homozygotes.

Submission:

Labcorp Genetics (formerly Invitae), Labcorp
Classification: Uncertain significance for Perlman syndrome. Last evaluated: 2023-04-28. Review status: criteria provided, single submitter. Criteria: Invitae Variant Classification Sherloc (09022015). Collection method: clinical testing. Allele origin: germline.
Comment: In summary, the available evidence is currently insufficient to determine the role of this variant in disease. Therefore, it has been classified as a Variant of Uncertain Significance. Algorithms developed to predict the effect of sequence changes on RNA splicing suggest that this variant may create or strengthen a splice site. This variant has not been reported in the literature in individuals affected with DIS3L2-related conditions. This variant is present in population databases (rs772499432, gnomAD 0.0009%). This sequence change falls in intron 15 of the DIS3L2 gene. It does not directly change the encoded amino acid sequence of the DIS3L2 protein.

NM_152383.5(DIS3L2):c.1924-16T>C

Gene: DIS3L2 (DIS3 like 3'-5' exoribonuclease 2; plus strand). Cytogenetic location: 2q37.1.
Variant type: single nucleotide variant.
Coding change: c.1924-16T>C on transcript NM_152383.5 (MANE Select); 16 bases into the intron before coding-DNA position 1924, T replaced by C.
Molecular consequence: intron variant.
Genome position (GRCh38, 1-based): chr2:232,330,674, T>C. VCF-style: chr2-232330674-T-C. GRCh37 (hg19) VCF-style: chr2-233195384-T-C.
Other names: c.1582-12671T>C (NM_001257281.2).
Identifiers: ClinVar variation 2876329 (VCV002876329.3), dbSNP rs772499432, ClinGen allele CA2164327.